The following is an entry in ClinVar:

NM_006031.6(PCNT):c.5707C>T (p.Arg1903Cys)

Gene: PCNT (pericentrin; plus strand). Cytogenetic location: 21q22.3.
Variant type: single nucleotide variant.
Coding change: c.5707C>T on transcript NM_006031.6 (MANE Select); coding-DNA position 5707, C replaced by T.
Protein change: p.Arg1903Cys; replaces arginine 1903 with cysteine.
Molecular consequence: missense variant.
Genome position (GRCh38, 1-based): chr21:46,411,780, C>T. VCF-style: chr21-46411780-C-T. GRCh37 (hg19) VCF-style: chr21-47831694-C-T.
Other names: c.5353C>T, p.Arg1785Cys (NM_001315529.2); short protein forms R1903C, R1785C.
Identifiers: ClinVar variation 340505 (VCV000340505.17), dbSNP rs548190846, ClinGen allele CA10080069.
Genomic context (GRCh38, chr21:46,411,780, plus strand): 5'-CGGAAGGCGGCCCACTCTGCCGAGCTGGAGGCCGTCCTGTTGGCCTTGGCCCGCATCCGC[C>T]GCGCCCTGGAGCAGCAGCCCCTGGCAGCCGGGGCGGCGCCTCCCGAGCTGCAGTGGCTCC-3'
Protein context (NP_006022.3, residues 1893-1913): AVLLALARIR[Arg1903Cys]ALEQQPLAAG

ClinVar aggregate classification (germline): Conflicting classifications of pathogenicity. Review status: criteria provided, conflicting classifications (1 of 4 stars). 4 submissions from 4 submitters: Uncertain significance (1); Likely benign (2). 1 of the submissions does not count toward it. Last evaluated 2025-10-02.

Conditions:
Microcephalic osteodysplastic primordial dwarfism type II (MOPD2). Also called: Microcephalic osteodysplastic primordial dwarfism with tooth abnormalities; MOPD II; OSTEODYSPLASTIC PRIMORDIAL DWARFISM, TYPE II. Identifiers: Orphanet 2637, MedGen C0432246, MONDO:0008872, OMIM 210720.
PCNT-related disorder. Also called: PCNT-related condition.

Allele frequency attached by ClinVar (database versions not stated): 1000 Genomes Project 30x 0.00031; TOPMed 0.00034; 1000 Genomes Project 0.00040; gnomAD 0.00075 and 0.00077; gnomAD exomes 0.00078 and 0.00103; ExAC 0.00160.
gnomAD v4.1: 1,254 of 1,604,678 alleles (0.078%); highest among the groups gnomAD compares: Non-Finnish European, 0.072%; 3 homozygotes.

Submissions (4):

Labcorp Genetics (formerly Invitae), Labcorp
Classification: Likely benign. Last evaluated: 2025-10-02. Review status: criteria provided, single submitter. Criteria: Invitae Variant Classification Sherloc (09022015). Collection method: clinical testing. Allele origin: germline.

Blueprint Genetics
Classification: Likely benign. Last evaluated: 2024-10-23. Review status: criteria provided, single submitter. Criteria: ACMG Guidelines, 2015. Collection method: clinical testing. Allele origin: germline.

Illumina Laboratory Services, Illumina
Classification: Uncertain significance for Microcephalic osteodysplastic primordial dwarfism type II. Last evaluated: 2018-01-12. Review status: criteria provided, single submitter. Criteria: ICSL Variant Classification Criteria 13 December 2019. Collection method: clinical testing. Allele origin: germline.

PreventionGenetics, part of Exact Sciences
Classification: Likely benign for PCNT-related condition. Last evaluated: 2020-08-25. Review status: no assertion criteria provided. Collection method: clinical testing. Allele origin: germline. Not counted in ClinVar's aggregate classification.
Comment: This variant is classified as likely benign based on ACMG/AMP sequence variant interpretation guidelines (Richards et al. 2015 PMID: 25741868, with internal and published modifications).